The following is an entry in ClinVar:

NM_003640.5(ELP1):c.3635C>T (p.Pro1212Leu)

Gene: ELP1 (elongator acetyltransferase complex subunit 1; minus strand). Cytogenetic location: 9q31.3.
Variant type: single nucleotide variant.
Coding change: c.3635C>T on transcript NM_003640.5 (MANE Select); coding-DNA position 3635, C replaced by T.
Protein change: p.Pro1212Leu; replaces proline 1212 with leucine.
Molecular consequence: missense variant.
Genome position (GRCh38, 1-based): chr9:108,878,688, G>A on the plus strand (C>T on the coding strand, the complement: ELP1 is on the minus strand). VCF-style: chr9-108878688-G-A. GRCh37 (hg19) VCF-style: chr9-111640968-G-A.
Other names: c.3293C>T, p.Pro1098Leu (NM_001318360.2); c.2588C>T, p.Pro863Leu (NM_001330749.2); short protein forms P1212L, P1098L, P863L.
Identifiers: ClinVar variation 2201853 (VCV002201853.2), dbSNP rs200009363, ClinGen allele CA5174228.
Genomic context (GRCh38, chr9:108,878,688, plus strand): 5'-AGGTTTTCAGTGTTCTGCACCACTTCACTCAGTGCCTCCAGGAGGGCCAGGTCCTCCAGC[G>A]GACTGCCTTCTTTGAGGCTGTGCTTCTTCCGCTCCGCTTTTCGGCGATTCTTGGATGATC-3'
Protein context (NP_003631.2, residues 1202-1222): RKKHSLKEGS[Pro1212Leu]LEDLALLEAL

ClinVar aggregate classification (germline): Uncertain significance (1 of 4 stars; one submission).

Allele frequency attached by ClinVar (database versions not stated): gnomAD 0.00001; ExAC 0.00002; gnomAD exomes 0.00002.
gnomAD v4.1: 25 of 1,613,996 alleles (0.0015%); highest among the groups gnomAD compares: African/African-American, 0.0053%; no homozygotes.

Submission:

Labcorp Genetics (formerly Invitae), Labcorp
Classification: Uncertain significance. Last evaluated: 2024-06-09. Review status: criteria provided, single submitter. Criteria: Invitae Variant Classification Sherloc (09022015). Collection method: clinical testing. Allele origin: germline.
Comment: This sequence change replaces proline, which is neutral and non-polar, with leucine, which is neutral and non-polar, at codon 1212 of the ELP1 protein (p.Pro1212Leu). This variant is present in population databases (rs200009363, gnomAD 0.01%). This variant has not been reported in the literature in individuals affected with ELP1-related conditions. ClinVar contains an entry for this variant (Variation ID: 2201853). Advanced modeling of protein sequence and biophysical properties (such as structural, functional, and spatial information, amino acid conservation, physicochemical variation, residue mobility, and thermodynamic stability) performed at Invitae indicates that this missense variant is expected to disrupt ELP1 protein function with a positive predictive value of 80%. In summary, the available evidence is currently insufficient to determine the role of this variant in disease. Therefore, it has been classified as a Variant of Uncertain Significance.